The following is an entry in ClinVar:

NM_000037.4(ANK1):c.368A>C (p.His123Pro)

Gene: ANK1 (ankyrin 1; minus strand). Cytogenetic location: 8p11.21.
Variant type: single nucleotide variant.
Coding change: c.368A>C on transcript NM_000037.4 (MANE Select); coding-DNA position 368, A replaced by C.
Protein change: p.His123Pro; replaces histidine 123 with proline.
Molecular consequence: missense variant.
Genome position (GRCh38, 1-based): chr8:41,727,308, T>G on the plus strand (A>C on the coding strand, the complement: ANK1 is on the minus strand). VCF-style: chr8-41727308-T-G. GRCh37 (hg19) VCF-style: chr8-41584826-T-G.
Other names: c.467A>C, p.His156Pro (NM_001142446.2); c.368A>C, p.His123Pro (NM_020475.3, NM_020476.3, NM_020477.3); short protein forms H123P, H156P.
Identifiers: ClinVar variation 2831555 (VCV002831555.3), dbSNP rs2486997415, ClinGen allele CA371045249.

ClinVar aggregate classification (germline): Uncertain significance (1 of 4 stars; one submission).

Submission:

Labcorp Genetics (formerly Invitae), Labcorp
Classification: Uncertain significance. Last evaluated: 2023-01-24. Review status: criteria provided, single submitter. Criteria: Invitae Variant Classification Sherloc (09022015). Collection method: clinical testing. Allele origin: germline.
Comment: In summary, the available evidence is currently insufficient to determine the role of this variant in disease. Therefore, it has been classified as a Variant of Uncertain Significance. Algorithms developed to predict the effect of missense changes on protein structure and function (SIFT, PolyPhen-2, Align-GVGD) all suggest that this variant is likely to be disruptive. This variant has not been reported in the literature in individuals affected with ANK1-related conditions. This variant is not present in population databases (gnomAD no frequency). This sequence change replaces histidine, which is basic and polar, with proline, which is neutral and non-polar, at codon 123 of the ANK1 protein (p.His123Pro).